The following is an entry in ClinVar:

ClinVar aggregate classification (germline): Uncertain significance. Review status: criteria provided, multiple submitters, no conflicts (2 of 4 stars). 3 submissions from 3 submitters: Uncertain significance (3). Last evaluated 2024-10-30.

Conditions:
Hereditary cancer-predisposing syndrome. Also called: Neoplastic Syndromes, Hereditary; Tumor predisposition; Hereditary Cancer Syndrome; Hereditary neoplastic syndrome. Identifiers: Orphanet 140162, MedGen C0027672, MeSH D009386, MONDO:0015356.
Oligodontia-cancer predisposition syndrome. Also called: TOOTH AGENESIS-COLORECTAL CANCER SYNDROME. Identifiers: Orphanet 300576, MedGen C1837750, MONDO:0012075, OMIM 608615. Disease mechanism: loss of function.

Allele frequency attached by ClinVar (database versions not stated): gnomAD exomes below 0.00001; TOPMed below 0.00001; gnomAD 0.00001.
gnomAD v4.1: 5 of 1,613,880 alleles (0.00031%); highest among the groups gnomAD compares: Non-Finnish European, 0.00042%; no homozygotes.

Submissions (3):

Ambry Genetics
Classification: Uncertain significance for Hereditary cancer-predisposing syndrome. Last evaluated: 2024-10-30. Review status: criteria provided, single submitter. Criteria: Ambry Variant Classification Scheme 2023. Collection method: clinical testing. Allele origin: germline.
Comment: The p.A533T variant (also known as c.1597G>A), located in coding exon 5 of the AXIN2 gene, results from a G to A substitution at nucleotide position 1597. The alanine at codon 533 is replaced by threonine, an amino acid with similar properties. This amino acid position is conserved. In addition, this alteration is predicted to be tolerated by in silico analysis. Since supporting evidence is limited at this time, the clinical significance of this alteration remains unclear.

Labcorp Genetics (formerly Invitae), Labcorp
Classification: Uncertain significance for Oligodontia-cancer predisposition syndrome. Last evaluated: 2024-04-24. Review status: criteria provided, single submitter. Criteria: Invitae Variant Classification Sherloc (09022015). Collection method: clinical testing. Allele origin: germline.
Comment: This sequence change replaces alanine, which is neutral and non-polar, with threonine, which is neutral and polar, at codon 533 of the AXIN2 protein (p.Ala533Thr). This variant is not present in population databases (gnomAD no frequency). This variant has not been reported in the literature in individuals affected with AXIN2-related conditions. ClinVar contains an entry for this variant (Variation ID: 640008). Advanced modeling of protein sequence and biophysical properties (such as structural, functional, and spatial information, amino acid conservation, physicochemical variation, residue mobility, and thermodynamic stability) performed at Invitae indicates that this missense variant is not expected to disrupt AXIN2 protein function with a negative predictive value of 80%. In summary, the available evidence is currently insufficient to determine the role of this variant in disease. Therefore, it has been classified as a Variant of Uncertain Significance.

Illumina Laboratory Services, Illumina
Classification: Uncertain significance for Oligodontia-cancer predisposition syndrome. Last evaluated: 2018-01-12. Review status: criteria provided, single submitter. Criteria: ICSL Variant Classification Criteria 13 December 2019. Collection method: clinical testing. Allele origin: germline.

NM_004655.4(AXIN2):c.1597G>A (p.Ala533Thr)

Gene: AXIN2 (axin 2; minus strand). Cytogenetic location: 17q24.1.
Variant type: single nucleotide variant.
Coding change: c.1597G>A on transcript NM_004655.4 (MANE Select); coding-DNA position 1597, G replaced by A.
Protein change: p.Ala533Thr; replaces alanine 533 with threonine.
Molecular consequence: missense variant.
Genome position (GRCh38, 1-based): chr17:65,537,439, C>T on the plus strand (G>A on the coding strand, the complement: AXIN2 is on the minus strand). VCF-style: chr17-65537439-C-T. GRCh37 (hg19) VCF-style: chr17-63533557-C-T.
Other names: c.1597G>A (LRG_296t1); c.1597G>A, p.Ala533Thr (NM_001363813.1); short protein forms A533T.
Identifiers: ClinVar variation 640008 (VCV000640008.17), dbSNP rs1376819064, ClinGen allele CA400677182.